The following is an entry in ClinVar:

NM_201548.5(CERKL):c.568del (p.Val190fs)

Gene: CERKL (CERK like autophagy regulator; minus strand). Cytogenetic location: 2q31.3.
Variant type: Deletion.
Coding change: c.568del on transcript NM_201548.5 (MANE Select); coding-DNA position 568, one base deleted (G; older notation c.568delG).
Protein change: p.Val190fs; shifts the reading frame from valine 190.
Molecular consequence: frameshift variant. On other transcripts: non-coding transcript variant (1), intron variant (2).
Genome position (GRCh38, 1-based): chr2:181,573,798, C deleted on the plus strand (G on the coding strand, the reverse complement: CERKL is on the minus strand); the first of 2 consecutive C bases (chr2:181,573,798-181,573,799); deleting either gives the same sequence. VCF-style (leftmost placement, unchanged base first): chr2-181573797-AC-A. GRCh37 (hg19) VCF-style: chr2-182438524-AC-A.
Other names: c.568del, p.Val190fs (NM_001030311.3, NM_001030313.3); c.567delG, p.Val190Leufs (NM_001030315.1); c.482-24090del (NM_001030312.3); c.482-7677del (NM_001160277.2); short protein forms V190fs.
Identifiers: ClinVar variation 1723321 (VCV001723321.3), dbSNP rs2468354552, ClinGen allele CA2577178411.

ClinVar aggregate classification (germline): Pathogenic/Likely pathogenic. Review status: criteria provided, multiple submitters, no conflicts (2 of 4 stars). 3 submissions from 3 submitters: Pathogenic (1); Likely pathogenic (2). Last evaluated 2025-04-21.

Conditions:
Retinitis pigmentosa 26 (RP26). Identifiers: Orphanet 791, MedGen C1842127, MONDO:0012024, OMIM 608380.
Retinitis pigmentosa (RP). Identifiers: Orphanet 791, MedGen C0035334, MeSH D012174, MONDO:0019200, OMIM 268000. Inheritance: Autosomal dominant, autosomal recessive and X linked inheritance.

Submissions (3):

Myriad Genetics, Inc.
Classification: Pathogenic for Retinitis pigmentosa 26. Last evaluated: 2025-04-21. Review status: criteria provided, single submitter. Criteria: Myriad Autosomal Dominant, Autosomal Recessive and X-Linked Classification Criteria (2023). Collection method: clinical testing. Allele origin: unknown.
Comment: NM_001030311.2(CERKL):c.568delG(V190Lfs*5) is a frameshift variant classified as pathogenic in the context of retinitis pigmentosa, CERKL-related. V190Lfs*5 has not been observed in cases with relevant disease. Relevant functional assessments of this variant are not available in the literature. V190Lfs*5 has not been observed in referenced population frequency databases. In summary, NM_001030311.2(CERKL):c.568delG(V190Lfs*5) is a frameshift variant in a gene where loss of function is a known mechanism of disease and is predicted to disrupt protein function. Please note: this variant was assessed in the context of healthy population screening.

Baylor Genetics
Classification: Likely pathogenic for Retinitis pigmentosa 26. Last evaluated: 2023-07-06. Review status: criteria provided, single submitter. Criteria: ACMG Guidelines, 2015. Collection method: clinical testing. Allele origin: unknown.

Women's Health and Genetics/Laboratory Corporation of America, LabCorp
Classification: Likely pathogenic for Retinitis pigmentosa. Last evaluated: 2022-10-15. Review status: criteria provided, single submitter. Criteria: LabCorp Variant Classification Summary - May 2015. Collection method: clinical testing. Allele origin: germline.
Comment: Variant summary: CERKL c.568delG (p.Val190LeufsX5) results in a premature termination codon, predicted to cause a truncation of the encoded protein or absence of the protein due to nonsense mediated decay, which are commonly known mechanisms for disease. Truncations downstream of this position have been classified as pathogenic by our laboratory. The variant was absent in 250696 control chromosomes (gnomAD). To our knowledge, no occurrence of c.568delG in individuals affected with Retinitis Pigmentosa and no experimental evidence demonstrating its impact on protein function have been reported. No clinical diagnostic laboratories have submitted clinical-significance assessments for this variant to ClinVar after 2014. Based on the evidence outlined above, the variant was classified as likely pathogenic.